The following is an entry in ClinVar:

ClinVar aggregate classification (germline): Uncertain significance (1 of 4 stars; one submission).

Conditions:
Cerebellar ataxia, brain abnormalities, and cardiac conduction defects. Identifiers: Orphanet 641361, MedGen C5562005, MONDO:0859200, OMIM 619576.

Submission:

Laboratorio de Genetica e Diagnostico Molecular, Hospital Israelita Albert Einstein
Classification: Uncertain significance for Cerebellar ataxia, brain abnormalities, and cardiac conduction defects. Last evaluated: 2023-08-21. Review status: criteria provided, single submitter. Criteria: ACMG Guidelines, 2015. Collection method: clinical testing. Allele origin: germline. Affected: yes.
Comment: ACMG classification criteria: PVS1 moderate, PM2 moderate

NM_020158.4(EXOSC5):c.637del (p.Ala213fs)

Gene: EXOSC5 (exosome component 5; minus strand). Cytogenetic location: 19q13.2.
Variant type: Deletion.
Coding change: c.637del on transcript NM_020158.4 (MANE Select); coding-DNA position 637, one base deleted (G; older notation c.637delG).
Protein change: p.Ala213fs; shifts the reading frame from alanine 213.
Molecular consequence: frameshift variant.
Genome position (GRCh38, 1-based): chr19:41,386,704, C deleted on the plus strand (G on the coding strand, the reverse complement: EXOSC5 is on the minus strand); the first of 2 consecutive C bases (chr19:41,386,704-41,386,705); deleting either gives the same sequence. VCF-style (leftmost placement, unchanged base first): chr19-41386703-GC-G. GRCh37 (hg19) VCF-style: chr19-41892608-GC-G.
Other names: short protein forms A213fs.
Identifiers: ClinVar variation 3902000 (VCV003902000.1).
Genomic context (GRCh38, chr19:41,386,703, plus strand): 5'-GAGTAACGCCTCTGCAGCGATTCCCGGTAGAAACGGAAGACGTGTTGCGAAGCGGCCTGG[GC>G]CGCAGCCAGGCACTGCTGGAGCTGCGGGGGAGAGACTGGTCGGTGCTGGGGGCCGAGCCC-3'